The following is an entry in ClinVar:

NM_002471.4(MYH6):c.1855G>A (p.Ala619Thr)

Gene: MYH6 (myosin heavy chain 6; minus strand). Cytogenetic location: 14q11.2.
Variant type: single nucleotide variant.
Coding change: c.1855G>A on transcript NM_002471.4 (MANE Select); coding-DNA position 1855, G replaced by A.
Protein change: p.Ala619Thr; replaces alanine 619 with threonine.
Molecular consequence: missense variant.
Genome position (GRCh38, 1-based): chr14:23,398,764, C>T on the plus strand (G>A on the coding strand, the complement: MYH6 is on the minus strand). VCF-style: chr14-23398764-C-T. GRCh37 (hg19) VCF-style: chr14-23867973-C-T.
Other names: short protein forms A619T.
Identifiers: ClinVar variation 2577626 (VCV002577626.1), dbSNP rs1891506793, ClinGen allele CA389019877.

ClinVar aggregate classification (germline): Uncertain significance (1 of 4 stars; one submission).

Allele frequency attached by ClinVar (database versions not stated): gnomAD exomes below 0.00001; TOPMed below 0.00001.

Submission:

GeneDx
Classification: Uncertain significance. Last evaluated: 2023-02-23. Review status: criteria provided, single submitter. Criteria: GeneDx Variant Classification Process June 2021. Collection method: clinical testing. Allele origin: germline. Affected: yes.
Comment: Not observed at significant frequency in large population cohorts (gnomAD); In silico analysis supports that this missense variant does not alter protein structure/function; Has not been previously published as pathogenic or benign to our knowledge